The following is an entry in ClinVar:

NM_033310.3(KCNK4):c.1136G>C (p.Arg379Pro)

Genes: KCNK4 (potassium two pore domain channel subfamily K member 4; plus strand), KCNK4-CATSPERZ (KCNK4-CATSPERZ readthrough (NMD candidate); plus strand). Cytogenetic location: 11q13.1.
Variant type: single nucleotide variant.
Coding change: c.1136G>C on transcript NM_033310.3 (MANE Select); coding-DNA position 1136, G replaced by C.
Protein change: p.Arg379Pro; replaces arginine 379 with proline.
Molecular consequence: missense variant. On other transcripts: non-coding transcript variant (3).
Genome position (GRCh38, 1-based): chr11:64,299,680, G>C. VCF-style: chr11-64299680-G-C. GRCh37 (hg19) VCF-style: chr11-64067152-G-C.
Other names: c.1136G>C, p.Arg379Pro (NM_001317090.2, NM_033311.1); c.1136G>C (NM_033310.2); short protein forms R379P.
Identifiers: ClinVar variation 2168034 (VCV002168034.6), dbSNP rs769680927, ClinGen allele CA6073258.

ClinVar aggregate classification (germline): Conflicting classifications of pathogenicity. Review status: criteria provided, conflicting classifications (1 of 4 stars). 3 submissions from 3 submitters: Uncertain significance (2); Likely benign (1). Last evaluated 2025-11-08.

Conditions:
KCNK4-related disorder. Also called: KCNK4-related condition.

Allele frequency attached by ClinVar (database versions not stated): ExAC 0.00005.
gnomAD v4.1: 5 of 1,580,004 alleles (0.00032%); highest among the groups gnomAD compares: Admixed American, 0.0054%; no homozygotes.

Submissions (3):

Ambry Genetics
Classification: Uncertain significance. Last evaluated: 2025-11-08. Review status: criteria provided, single submitter. Criteria: Ambry Variant Classification Scheme 2023. Collection method: clinical testing. Allele origin: germline.

PreventionGenetics, part of Exact Sciences
Classification: Uncertain significance for KCNK4-related condition. Last evaluated: 2025-06-03. Review status: criteria provided, single submitter. Criteria: ACMG Guidelines, 2015. Collection method: clinical testing. Allele origin: germline.
Comment: The KCNK4 c.1136G>C variant is predicted to result in the amino acid substitution p.Arg379Pro. To our knowledge, this variant has not been reported in the literature. This variant is reported in 0.010% of alleles in individuals of Latino descent in gnomAD. At this time, the clinical significance of this variant is uncertain due to the absence of conclusive functional and genetic evidence.

Labcorp Genetics (formerly Invitae), Labcorp
Classification: Likely benign. Last evaluated: 2024-05-07. Review status: criteria provided, single submitter. Criteria: Invitae Variant Classification Sherloc (09022015). Collection method: clinical testing. Allele origin: germline.